The following is an entry in ClinVar:

NC_000015.10:g.(?_42359796)_(42411783_?)del

Genes: CAPN3 (calpain 3; plus strand), LOC130056920 (ATAC-STARR-seq lymphoblastoid active region 9299; plus strand), LOC130056921 (ATAC-STARR-seq lymphoblastoid active region 9300; plus strand), LOC126862115 (BRD4-independent group 4 enhancer GRCh37_chr15:42677734-42678933; plus strand). Cytogenetic location: 15q15.1.
Variant type: Deletion.
Identifiers: ClinVar variation 655755 (VCV000655755.10).

ClinVar aggregate classification (germline): Pathogenic (1 of 4 stars; one submission).

Conditions:
Autosomal recessive limb-girdle muscular dystrophy type 2A (LGMDR1). Also called: Limb-girdle muscular dystrophy, type 2A; Calpainopathy; MUSCULAR DYSTROPHY, PELVOFEMORAL; LEYDEN-MOEBIUS MUSCULAR DYSTROPHY; Muscular dystrophy, limb-girdle, type 2A, Amish. Identifiers: Orphanet 267, MedGen C1869123, MONDO:0009675, OMIM 253600. Disease mechanism: loss of function.

Submission:

Labcorp Genetics (formerly Invitae), Labcorp
Classification: Pathogenic for Autosomal recessive limb-girdle muscular dystrophy type 2A. Last evaluated: 2022-09-22. Review status: criteria provided, single submitter. Criteria: Invitae Variant Classification Sherloc (09022015). Collection method: clinical testing. Allele origin: germline.
Comment: A gross deletion of the genomic region encompassing the full coding sequence of the CAPN3 gene has been identified. Loss-of-function variants in CAPN3 are known to be pathogenic (PMID: 10330340, 15689361). The boundaries of this event are unknown as they extend beyond the assayed region for this gene and therefore may encompass additional genes. A similar copy number variant has been observed in individual(s) with limb-girdle muscular dystrophy (LGMD) (PMID: 24715573). For these reasons, this variant has been classified as Pathogenic.

Literature cited by the submitters: PubMed 10330340; PubMed 15689361; PubMed 24715573.